The following is an entry in ClinVar:

NM_005188.4(CBL):c.82C>T (p.Leu28Phe)

Genes: CBL (Cbl proto-oncogene; plus strand), LOC130006895 (ATAC-STARR-seq lymphoblastoid silent region 3975; plus strand). Cytogenetic location: 11q23.3.
Variant type: single nucleotide variant.
Coding change: c.82C>T on transcript NM_005188.4 (MANE Select); coding-DNA position 82, C replaced by T.
Protein change: p.Leu28Phe; replaces leucine 28 with phenylalanine.
Molecular consequence: missense variant.
Genome position (GRCh38, 1-based): chr11:119,206,499, C>T. VCF-style: chr11-119206499-C-T. GRCh37 (hg19) VCF-style: chr11-119077209-C-T.
Other names: c.82C>T (NM_005188.2); short protein forms L28F.
Identifiers: ClinVar variation 2188734 (VCV002188734.5), dbSNP rs2496819373, ClinGen allele CA382976009.

ClinVar aggregate classification (germline): Uncertain significance. Review status: criteria provided, multiple submitters, no conflicts (2 of 4 stars). 2 submissions from 2 submitters: Uncertain significance (2). Last evaluated 2026-02-28.

Conditions:
RASopathy. Also called: Noonan spectrum disorder; rasopathies. Identifiers: Orphanet 536391, MedGen C5555857, MONDO:0021060.
Cardiovascular phenotype. Identifiers: MedGen CN230736.

Submissions (2):

Ambry Genetics
Classification: Uncertain significance for Cardiovascular phenotype. Last evaluated: 2026-02-28. Review status: criteria provided, single submitter. Criteria: Ambry Variant Classification Scheme 2023. Collection method: clinical testing. Allele origin: germline.
Comment: The p.L28F variant (also known as c.82C>T), located in coding exon 1 of the CBL gene, results from a C to T substitution at nucleotide position 82. The leucine at codon 28 is replaced by phenylalanine, an amino acid with highly similar properties. This amino acid position is conserved. In addition, this alteration is predicted to be tolerated by in silico analysis. Based on the available evidence, the clinical significance of this variant remains unclear.

Labcorp Genetics (formerly Invitae), Labcorp
Classification: Uncertain significance for RASopathy. Last evaluated: 2022-04-06. Review status: criteria provided, single submitter. Criteria: Invitae Variant Classification Sherloc (09022015). Collection method: clinical testing. Allele origin: germline.
Comment: This variant has not been reported in the literature in individuals affected with CBL-related conditions. This variant is not present in population databases (gnomAD no frequency). This sequence change replaces leucine, which is neutral and non-polar, with phenylalanine, which is neutral and non-polar, at codon 28 of the CBL protein (p.Leu28Phe). Advanced modeling of protein sequence and biophysical properties (such as structural, functional, and spatial information, amino acid conservation, physicochemical variation, residue mobility, and thermodynamic stability) performed at Invitae indicates that this missense variant is not expected to disrupt CBL protein function. In summary, the available evidence is currently insufficient to determine the role of this variant in disease. Therefore, it has been classified as a Variant of Uncertain Significance.